The following is an entry in ClinVar:

NM_000719.7(CACNA1C):c.2793+10G>A

Gene: CACNA1C (calcium voltage-gated channel subunit alpha1 C; plus strand). Cytogenetic location: 12p13.33.
Variant type: single nucleotide variant.
Coding change: c.2793+10G>A on transcript NM_000719.7 (MANE Select); 10 bases into the intron after coding-DNA position 2793, G replaced by A.
Molecular consequence: intron variant.
Genome position (GRCh38, 1-based): chr12:2,596,013, G>A. VCF-style: chr12-2596013-G-A. GRCh37 (hg19) VCF-style: chr12-2705179-G-A.
Other names: c.2793+10G>A (NM_001167624.3, NM_001167623.2, NM_001167625.2 and 18 more transcripts); c.2784+10G>A (NM_001129844.2).
Identifiers: ClinVar variation 136620 (VCV000136620.9), dbSNP rs587780877, ClinGen allele CA289839.

ClinVar aggregate classification (germline): Benign/Likely benign. Review status: criteria provided, multiple submitters, no conflicts (2 of 4 stars). 2 submissions from 2 submitters: Benign (1); Likely benign (1). Last evaluated 2025-12-08.

Conditions:
Long QT syndrome (LQTS). Identifiers: MedGen C0023976, MeSH D008133, MONDO:0002442. Disease mechanism: loss of function. Inheritance: Various modes of inheritance.

Allele frequency attached by ClinVar (database versions not stated): gnomAD 0.00001; gnomAD exomes 0.00001 and below 0.00001; TOPMed 0.00002.
gnomAD v4.1: 20 of 1,607,764 alleles (0.0012%); highest among the groups gnomAD compares: Admixed American, 0.0034%; no homozygotes.

Submissions (2):

Labcorp Genetics (formerly Invitae), Labcorp
Classification: Likely benign for Long QT syndrome. Last evaluated: 2025-12-08. Review status: criteria provided, single submitter. Criteria: Invitae Variant Classification Sherloc (09022015). Collection method: clinical testing. Allele origin: germline.

GeneDx
Classification: Benign. Last evaluated: 2013-11-08. Review status: criteria provided, single submitter. Criteria: GeneDx Variant Classification (06012015). Collection method: clinical testing. Allele origin: germline. Affected: yes.
Comment: This variant is considered likely benign or benign based on one or more of the following criteria: it is a conservative change, it occurs at a poorly conserved position in the protein, it is predicted to be benign by multiple in silico algorithms, and/or has population frequency not consistent with disease.